The following is an entry in ClinVar:

ClinVar aggregate classification (germline): Pathogenic (1 of 4 stars; one submission).

Conditions:
Fanconi anemia (FA). Also called: Fanconi's anemia. Identifiers: Orphanet 84, MedGen C0015625, MeSH D005199, MONDO:0019391.

Submission:

Labcorp Genetics (formerly Invitae), Labcorp
Classification: Pathogenic for Fanconi anemia. Last evaluated: 2023-06-02. Review status: criteria provided, single submitter. Criteria: Invitae Variant Classification Sherloc (09022015). Collection method: clinical testing. Allele origin: germline.
Comment: For these reasons, this variant has been classified as Pathogenic. This sequence change creates a premature translational stop signal (p.Ala1132Profs*82) in the FANCA gene. It is expected to result in an absent or disrupted protein product. Loss-of-function variants in FANCA are known to be pathogenic (PMID: 19367192). This variant is not present in population databases (gnomAD no frequency). This variant has not been reported in the literature in individuals affected with FANCA-related conditions.

Literature cited by the submitters: PubMed 19367192.

NM_000135.4(FANCA):c.3394_3395del (p.Ala1132fs)

Genes: FANCA (FA complementation group A; minus strand), LOC132090450 (Neanderthal introgressed variant-containing enhancer experimental_46718; plus strand). Cytogenetic location: 16q24.3.
Variant type: Deletion.
Coding change: c.3394_3395del on transcript NM_000135.4 (MANE Select); coding-DNA positions 3394 to 3395, 2 bases deleted (GC; older notation c.3394_3395delGC).
Protein change: p.Ala1132fs; shifts the reading frame from alanine 1132.
Molecular consequence: frameshift variant.
Genome position (GRCh38, 1-based): chr16:89,746,844-89,746,845, GC deleted on the plus strand (GC on the coding strand, the reverse complement: FANCA is on the minus strand). VCF-style (leftmost placement, unchanged base first): chr16-89746843-GGC-G. GRCh37 (hg19) VCF-style: chr16-89813251-GGC-G.
Other names: c.3394_3395del, p.Ala1132fs (NM_001286167.3); short protein forms A1132fs.
Identifiers: ClinVar variation 2757922 (VCV002757922.3), dbSNP rs2544120709, ClinGen allele CA2697556071.